The following is an entry in ClinVar:

NM_025009.5(CEP135):c.715C>G (p.Arg239Gly)

Gene: CEP135 (centrosomal protein 135; plus strand). Cytogenetic location: 4q12.
Variant type: single nucleotide variant.
Coding change: c.715C>G on transcript NM_025009.5 (MANE Select); coding-DNA position 715, C replaced by G.
Protein change: p.Arg239Gly; replaces arginine 239 with glycine.
Molecular consequence: missense variant.
Genome position (GRCh38, 1-based): chr4:55,964,289, C>G. VCF-style: chr4-55964289-C-G. GRCh37 (hg19) VCF-style: chr4-56830455-C-G.
Other names: short protein forms R239G.
Identifiers: ClinVar variation 1309740 (VCV001309740.2), dbSNP rs760955800, ClinGen allele CA356975530.

ClinVar aggregate classification (germline): Uncertain significance (1 of 4 stars; one submission).

gnomAD v4.1: 3 of 1,610,218 alleles (0.00019%); highest among the groups gnomAD compares: South Asian, 0.0033%; no homozygotes.

Submission:

GeneDx
Classification: Uncertain significance. Last evaluated: 2021-02-09. Review status: criteria provided, single submitter. Criteria: GeneDx Variant Classification Process June 2021. Collection method: clinical testing. Allele origin: germline. Affected: yes.
Comment: Not observed in large population cohorts (Lek et al., 2016); In silico analysis, which includes protein predictors and evolutionary conservation, supports a deleterious effect; Has not been previously published as pathogenic or benign to our knowledge